The following is an entry in ClinVar:

NC_000019.10:g.54947552G>A

Gene: NLRP7 (NLR family pyrin domain containing 7; minus strand). Cytogenetic location: 19q13.42.
Variant type: single nucleotide variant.
Genome position: GRCh38 VCF-style: chr19-54947552-G-A. GRCh37 (hg19) VCF-style: chr19-55458920-G-A.
Identifiers: ClinVar variation 127252 (VCV000127252.2), dbSNP rs199475820, ClinGen allele CA230808.

ClinVar aggregate classification (germline): not provided (0 of 4 stars; one submission).

Allele frequency attached by ClinVar (database versions not stated): gnomAD 0.00001; gnomAD exomes 0.00001; TOPMed 0.00001.
gnomAD v4.1: 8 of 1,289,438 alleles (0.00062%); highest among the groups gnomAD compares: African/African-American, 0.003%; no homozygotes.

Submission:

Human Evolutionary Genetics, Institut Pasteur
No classification provided. Review status: no classification provided. Collection method: not provided. Allele origin: germline.
ClinVar note: Converted during submission from untested to not provided.